The following is an entry in ClinVar:

NM_015978.3(TNNI3K):c.637T>G (p.Leu213Val)

Genes: FPGT-TNNI3K (FPGT-TNNI3K readthrough; plus strand), TNNI3K (TNNI3 interacting kinase; plus strand). Cytogenetic location: 1p31.1.
Variant type: single nucleotide variant.
Coding change: c.637T>G on transcript NM_015978.3 (MANE Select); coding-DNA position 637, T replaced by G.
Protein change: p.Leu213Val; replaces leucine 213 with valine.
Molecular consequence: missense variant.
Genome position (GRCh38, 1-based): chr1:74,336,104, T>G. VCF-style: chr1-74336104-T-G. GRCh37 (hg19) VCF-style: chr1-74801788-T-G.
Other names: c.940T>G, p.Leu314Val (NM_001112808.3, NM_001199327.2); short protein forms L213V, L314V.
Identifiers: ClinVar variation 4719254 (VCV004719254.1).

ClinVar aggregate classification (germline): Uncertain significance (1 of 4 stars; one submission).

Submission:

Labcorp Genetics (formerly Invitae), Labcorp
Classification: Uncertain significance. Last evaluated: 2025-06-19. Review status: criteria provided, single submitter. Criteria: Invitae Variant Classification Sherloc (09022015). Collection method: clinical testing. Allele origin: germline.
Comment: This sequence change replaces leucine, which is neutral and non-polar, with valine, which is neutral and non-polar, at codon 213 of the TNNI3K protein (p.Leu213Val). This variant is not present in population databases (gnomAD no frequency). This variant has not been reported in the literature in individuals affected with TNNI3K-related conditions. Invitae Evidence Modeling of protein sequence and biophysical properties (such as structural, functional, and spatial information, amino acid conservation, physicochemical variation, residue mobility, and thermodynamic stability) indicates that this missense variant is not expected to disrupt TNNI3K protein function with a negative predictive value of 80%. In summary, the available evidence is currently insufficient to determine the role of this variant in disease. Therefore, it has been classified as a Variant of Uncertain Significance.